The following is an entry in ClinVar:

ClinVar aggregate classification (germline): Pathogenic (1 of 4 stars; one submission).

Submission:

Labcorp Genetics (formerly Invitae), Labcorp
Classification: Pathogenic. Last evaluated: 2024-06-01. Review status: criteria provided, single submitter. Criteria: Invitae Variant Classification Sherloc (09022015). Collection method: clinical testing. Allele origin: germline.
Comment: This sequence change creates a premature translational stop signal (p.Asn793Metfs*7) in the OPA1 gene. It is expected to result in an absent or disrupted protein product. Loss-of-function variants in OPA1 are known to be pathogenic (PMID: 11440988, 20157015, 20952381, 25012220). This variant is not present in population databases (gnomAD no frequency). This variant has not been reported in the literature in individuals affected with OPA1-related conditions. For these reasons, this variant has been classified as Pathogenic.

Literature cited by the submitters: PubMed 11440988; PubMed 20157015; PubMed 20952381; PubMed 25012220.

NM_130837.3(OPA1):c.2543del (p.Asn848fs)

Gene: OPA1 (OPA1 mitochondrial dynamin like GTPase; plus strand). Cytogenetic location: 3q29.
Variant type: Deletion.
Coding change: c.2543del on transcript NM_130837.3 (MANE Select); coding-DNA position 2543, one base deleted (A; older notation c.2543delA).
Protein change: p.Asn848fs; shifts the reading frame from asparagine 848.
Molecular consequence: frameshift variant.
Genome position (GRCh38, 1-based): chr3:193,662,844, A deleted; the last of 2 consecutive A bases (chr3:193,662,843-193,662,844); deleting either gives the same sequence. VCF-style (leftmost placement, unchanged base first): chr3-193662842-GA-G. GRCh37 (hg19) VCF-style: chr3-193380631-GA-G.
Other names: c.2009del, p.Asn670fs (NM_001354663.2); c.2006del, p.Asn669fs (NM_001354664.2); c.2378del, p.Asn793fs (NM_015560.3); c.2270del, p.Asn757fs (NM_130831.3); c.2324del, p.Asn775fs (NM_130832.3); c.2381del, p.Asn794fs (NM_130833.3); c.2432del, p.Asn811fs (NM_130834.3); c.2435del, p.Asn812fs (NM_130835.3); and 1 more; short protein forms N670fs, N811fs, N830fs, N848fs, N669fs, N757fs, N775fs, N793fs.
Identifiers: ClinVar variation 3654448 (VCV003654448.2).
Genomic context (GRCh38, chr3:193,662,842, plus strand): 5'-TGAACCATCTAAACACAGTCCTTTTTTAAACATTTTAAAGTGTGTTCACAATGAAACCAA[GA>G]ATGAATTGGAGAAGATGTTGAAATGTAATGAGGAGCACCCAGCTTATCTTGCAAGTGATG-3'